The following is an entry in ClinVar:

NM_001354604.2(MITF):c.746T>C (p.Leu249Ser)

Gene: MITF (melanocyte inducing transcription factor; plus strand). Cytogenetic location: 3p13.
Variant type: single nucleotide variant.
Coding change: c.746T>C on transcript NM_001354604.2 (MANE Select); coding-DNA position 746, T replaced by C.
Protein change: p.Leu249Ser; replaces leucine 249 with serine.
Molecular consequence: missense variant.
Genome position (GRCh38, 1-based): chr3:69,941,315, T>C. VCF-style: chr3-69941315-T-C. GRCh37 (hg19) VCF-style: chr3-69990466-T-C.
Other names: c.425T>C, p.Leu142Ser (NM_000248.4, NM_198158.3); c.590T>C, p.Leu197Ser (NM_001184967.2, NM_001354608.2); c.743T>C, p.Leu248Ser (NM_001354605.2, NM_001354606.2, NM_006722.3); c.695T>C, p.Leu232Ser (NM_001354607.2); c.746T>C, p.Leu249Ser (NM_198159.3); c.698T>C, p.Leu233Ser (NM_198177.3); c.257T>C, p.Leu86Ser (NM_198178.3); short protein forms L142S, L197S, L232S, L233S, L248S, L249S, L86S.
Identifiers: ClinVar variation 3906423 (VCV003906423.1).

ClinVar aggregate classification (germline): Uncertain significance (1 of 4 stars; one submission).

gnomAD v4.1: 1 of 1,611,672 alleles (0.000062%); highest among the groups gnomAD compares: Non-Finnish European, 0.000085%; no homozygotes.

Submission:

GeneDx
Classification: Uncertain significance. Last evaluated: 2024-12-23. Review status: criteria provided, single submitter. Criteria: GeneDx Variant Classification Process June 2021. Collection method: clinical testing. Allele origin: germline. Affected: yes.
Comment: Not observed at significant frequency in large population cohorts (gnomAD); In silico analysis supports that this missense variant has a deleterious effect on protein structure/function; Has not been previously published as pathogenic or benign to our knowledge